The following is an entry in ClinVar:

NM_022153.2(VSIR):c.873C>G (p.Pro291=)

Genes: CDH23 (cadherin related 23; plus strand), VSIR (V-set immunoregulatory receptor; minus strand). Cytogenetic location: 10q22.1.
Variant type: single nucleotide variant.
Coding change: c.873C>G on transcript NM_022153.2 (MANE Select); coding-DNA position 873, C replaced by G.
Protein change: p.Pro291=; no amino-acid change (proline 291 retained).
Molecular consequence: synonymous variant. On other transcripts: intron variant (1).
Genome position (GRCh38, 1-based): chr10:71,751,693, G>C on the plus strand (C>G on the coding strand, the complement: VSIR is on the minus strand). VCF-style: chr10-71751693-G-C. GRCh37 (hg19) VCF-style: chr10-73511450-G-C.
Other names: c.4845+9772G>C (NM_022124.6).
Identifiers: ClinVar variation 5040190 (VCV005040190.1).
Genomic context (GRCh38, chr10:71,751,693, plus strand): 5'-AGGTCATCGTGCTGTGAAGGTCAGGAAACACTTACCCAGGGATGGGAAGAAGACGTCTCC[G>C]GGGCCTGGAGGAGACAGGGGGGTGCTGGGCTCCGAAAGCAGATGCCGCCCAGACTCAGAA-3'
Protein context (NP_071436.1, residues 281-301): EPSTPLSPPG[Pro291=]GDVFFPSLDP

ClinVar aggregate classification (germline): Likely benign (1 of 4 stars; one submission).

Submission:

CeGaT Center for Human Genetics Tuebingen
Classification: Likely benign. Last evaluated: 2026-07-01. Review status: criteria provided, single submitter. Criteria: CeGaT Center For Human Genetics Tuebingen Variant Classification Criteria Version 2. Collection method: clinical testing. Allele origin: germline. Affected: yes. Observed: 1 variant allele.
Comment: VSIR: PM2:Supporting, BP4, BP7